The following is an entry in ClinVar:

NM_001394372.1(BICRA):c.1876C>T (p.Gln626Ter)

Gene: BICRA (BRD4 interacting chromatin remodeling complex associated protein; plus strand). Cytogenetic location: 19q13.33.
Variant type: single nucleotide variant.
Coding change: c.1876C>T on transcript NM_001394372.1 (MANE Select); coding-DNA position 1876, C replaced by T.
Protein change: p.Gln626Ter; replaces glutamine 626 with a stop codon.
Molecular consequence: nonsense.
Genome position (GRCh38, 1-based): chr19:47,681,046, C>T. VCF-style: chr19-47681046-C-T. GRCh37 (hg19) VCF-style: chr19-48184303-C-T.
Other names: c.1876C>T, p.Gln626Ter (NM_015711.3); short protein forms Q626*.
Identifiers: ClinVar variation 4884205 (VCV004884205.2).

ClinVar aggregate classification (germline): Likely pathogenic (1 of 4 stars; one submission).

Submission:

Dasa
Classification: Likely pathogenic. Last evaluated: 2025-01-04. Review status: criteria provided, single submitter. Criteria: DASA Assertion Criteria. Collection method: clinical testing. Allele origin: germline.
Comment: NM_001394372.1(BICRA):c.1876C>T (p.Gln626*) is a nonsense variant in BICRA predicted to introduce a premature termination codon and is predicted to result in an absent or altered protein product. Loss of function is an established disease mechanism for BICRA-associated disorders. Also, this variant is absent from population databases. Based on the currently available evidence, this variant is classified as likely pathogenic.